The following is an entry in ClinVar:

ClinVar aggregate classification (germline): Uncertain significance. Review status: criteria provided, multiple submitters, no conflicts (2 of 4 stars). 2 submissions from 2 submitters: Uncertain significance (2). Last evaluated 2025-07-30.

Conditions:
Hereditary cancer-predisposing syndrome. Also called: Tumor predisposition; Hereditary Cancer Syndrome; Hereditary neoplastic syndrome; Neoplastic Syndromes, Hereditary. Identifiers: Orphanet 140162, MedGen C0027672, MeSH D009386, MONDO:0015356.
POLD1-related polyposis and colorectal cancer syndrome (CRCS10). Also called: Colorectal cancer 10; COLORECTAL CANCER, SUSCEPTIBILITY TO, ON CHROMOSOME 19q; Colorectal cancer, susceptibility to, 10. Identifiers: Orphanet 220460, MedGen C2675481, MONDO:0012953, OMIM 612591.

Allele frequency attached by ClinVar (database versions not stated): gnomAD 0.00001.

Submissions (2):

Labcorp Genetics (formerly Invitae), Labcorp
Classification: Uncertain significance for POLD1-related polyposis and colorectal cancer syndrome. Last evaluated: 2025-07-30. Review status: criteria provided, single submitter. Criteria: Invitae Variant Classification Sherloc (09022015). Collection method: clinical testing. Allele origin: germline.
Comment: This sequence change replaces isoleucine, which is neutral and non-polar, with methionine, which is neutral and non-polar, at codon 638 of the POLD1 protein (p.Ile638Met). This variant is not present in population databases (gnomAD no frequency). This variant has not been reported in the literature in individuals affected with POLD1-related conditions. ClinVar contains an entry for this variant (Variation ID: 844385). Invitae Evidence Modeling of protein sequence and biophysical properties (such as structural, functional, and spatial information, amino acid conservation, physicochemical variation, residue mobility, and thermodynamic stability) indicates that this missense variant is expected to disrupt POLD1 protein function with a positive predictive value of 80%. In summary, the available evidence is currently insufficient to determine the role of this variant in disease. Therefore, it has been classified as a Variant of Uncertain Significance.

Ambry Genetics
Classification: Uncertain significance for Hereditary cancer-predisposing syndrome. Last evaluated: 2022-04-11. Review status: criteria provided, single submitter. Criteria: Ambry Variant Classification Scheme 2023. Collection method: clinical testing. Allele origin: germline.
Comment: The p.I638M variant (also known as c.1914C>G), located in coding exon 15 of the POLD1 gene, results from a C to G substitution at nucleotide position 1914. The isoleucine at codon 638 is replaced by methionine, an amino acid with highly similar properties. This amino acid position is conserved. In addition, this alteration is predicted to be tolerated by in silico analysis. Since supporting evidence is limited at this time, the clinical significance of this alteration remains unclear.

NM_002691.4(POLD1):c.1914C>G (p.Ile638Met)

Gene: POLD1 (DNA polymerase delta 1, catalytic subunit; plus strand). Cytogenetic location: 19q13.33.
Variant type: single nucleotide variant.
Coding change: c.1914C>G on transcript NM_002691.4 (MANE Select); coding-DNA position 1914, C replaced by G.
Protein change: p.Ile638Met; replaces isoleucine 638 with methionine.
Molecular consequence: missense variant. On other transcripts: non-coding transcript variant (1).
Genome position (GRCh38, 1-based): chr19:50,409,143, C>G. VCF-style: chr19-50409143-C-G. GRCh37 (hg19) VCF-style: chr19-50912400-C-G.
Other names: c.1914C>G, p.Ile638Met (NM_001256849.1); c.1992C>G, p.Ile664Met (NM_001308632.1); short protein forms I638M, I664M.
Identifiers: ClinVar variation 844385 (VCV000844385.12), dbSNP rs2039003508, ClinGen allele CA406982233.